The following is an entry in ClinVar:

ClinVar aggregate classification (germline): Pathogenic/Likely pathogenic. Review status: criteria provided, multiple submitters, no conflicts (2 of 4 stars). 4 submissions from 4 submitters: Pathogenic (3); Likely pathogenic (1). Last evaluated 2025-06-12.
ClinVar aggregate classification (oncogenicity): Likely oncogenic (1 of 4 stars; one submission).

Conditions:
Hereditary cancer-predisposing syndrome. Also called: Hereditary Cancer Syndrome; Hereditary neoplastic syndrome; Neoplastic Syndromes, Hereditary; Tumor predisposition. Identifiers: Orphanet 140162, MedGen C0027672, MeSH D009386, MONDO:0015356.
Rhabdoid tumor predisposition syndrome 2 (RTPS2). Identifiers: Orphanet 231108, Orphanet 69077, MedGen C2750074, MONDO:0013224, OMIM 613325.
Neoplasm. Also called: tumor; Neoplasms; Neoplasm (disease). Identifiers: MedGen C0027651, MeSH D009369, MONDO:0005070, HP:0002664.

Allele frequency attached by ClinVar (database versions not stated): gnomAD exomes below 0.00001.
gnomAD v4.1: 2 of 1,614,096 alleles (0.00012%); highest among the groups gnomAD compares: South Asian, 0.0011%; no homozygotes.

Submissions (5):

Ambry Genetics
Classification: Pathogenic for Hereditary cancer-predisposing syndrome. Last evaluated: 2025-06-12. Review status: criteria provided, single submitter. Criteria: Ambry Variant Classification Scheme 2023. Collection method: clinical testing. Allele origin: germline.
Comment: The p.R1077* pathogenic mutation (also known as c.3229C>T), located in coding exon 23 of the SMARCA4 gene, results from a C to T substitution at nucleotide position 3229. This changes the amino acid from an arginine to a stop codon within coding exon 23. This alteration is reported as a somatic alteration in small cell carcinoma of the ovary-hypercalcemic type (SCCOHT) in tumors with demonstrated loss of IHC expression (Connor YD et al. Gynecol Oncol, 2020 04;157:106-114; Auguste A et al. Cells, 2020 06;9; Ramos P et al. Rare Dis, 2014 Nov;2:e967148). In addition, p.R1077* was reported as a somatic alteration in a rhabdoid teratoma from a child with a germline SMARCA4 mutation (p.Trp1178*); Loss-of-function variants in SMARCA4 are known to cause rhabdoid tumor predisposition syndrome including SCCOHT; however, such associations with neurodevelopmental disorders are exceedingly rare (Kosho T et al. Am J Med Genet C Semin Med Genet. 2014 Sep;166C(3):262-75; Jelinic P et al. Nat Genet. 2014 May;46(5):424-6). Based on the supporting evidence, this alteration is pathogenic for rhabdoid tumor predisposition syndrome; however, the association of this alteration with Coffin-Siris syndrome is unlikely.

Center for Genomic Medicine, Rigshospitalet, Copenhagen University Hospital
Classification: Likely oncogenic for Neoplasm. Last evaluated: 2025-03-04. Review status: criteria provided, single submitter. Criteria: ClinGen/CGC/VICC Guidelines for Oncogenicity, 2022. Collection method: clinical testing. Allele origin: somatic. Affected: yes.

Quest Diagnostics Nichols Institute San Juan Capistrano
Classification: Pathogenic. Last evaluated: 2024-07-18. Review status: criteria provided, single submitter. Criteria: Quest Diagnostics criteria. Collection method: clinical testing. Allele origin: unknown.
Comment: The SMARCA4 c.3229C>T (p.Arg1077*) variant causes the premature termination of SMARCA4 protein synthesis. This variant has been reported in the published literature in an individual with small cell carcinoma of the ovary-hypercalcemic type (PMID: 29446248 (2018)). This variant has not been reported in large, multi-ethnic general populations (Genome Aggregation Database). Based on the available information, this variant is classified as pathogenic.

Labcorp Genetics (formerly Invitae), Labcorp
Classification: Pathogenic for Rhabdoid tumor predisposition syndrome 2. Last evaluated: 2024-05-23. Review status: criteria provided, single submitter. Criteria: Invitae Variant Classification Sherloc (09022015). Collection method: clinical testing. Allele origin: germline.
Comment: This sequence change creates a premature translational stop signal (p.Arg1077*) in the SMARCA4 gene. It is expected to result in an absent or disrupted protein product. Loss-of-function variants in SMARCA4 are known to be pathogenic (PMID: 24658001, 24658002). This variant is not present in population databases (gnomAD no frequency). This variant has not been reported in the literature in individuals affected with SMARCA4-related conditions. ClinVar contains an entry for this variant (Variation ID: 1692588). Algorithms developed to predict the effect of sequence changes on RNA splicing suggest that this variant may disrupt the consensus splice site. For these reasons, this variant has been classified as Pathogenic.

Sema4
Classification: Likely pathogenic for Hereditary cancer-predisposing syndrome. Last evaluated: 2021-06-08. Review status: criteria provided, single submitter. Criteria: Sema4 Curation Guidelines. Collection method: curation. Allele origin: germline.
Comment: The SMARCA4 c.3229C>T (p.R1077X ) variant has been reported as a heterozygous germline variant in at least 1 individual with small cell carcinoma of the ovary, hypercalcemic type (SCCOHT) (PMID 29446248). The variant was present at the homozygous state in the patient's tumor. This variant was also reported as a somatic variant in 6 additional individuals with small cell carcinoma of the ovary, hypercalcemic type (SCCOHT), intracerebral immature teratoma, ovarian immature teratoma (PMID: 31954538, 23775540, 26942101, 29446248, 32575483). This nonsense variant creates a premature stop codon at residue 1077 of the SMARCA4 protein. This variant is not reported in the population database Genome Aggregation Database (PMID: 32461654). This variant has not been reported in ClinVar. Based on the current evidence available, this variant is interpreted as likely pathogenic.

Literature cited by the submitters: PubMed 23775540 (cited by 3 submitters); PubMed 26942101 (cited by 3 submitters); PubMed 31954538 (cited by 3 submitters); PubMed 32575483 (cited by Ambry Genetics and Sema4); PubMed 29446248 (cited by Quest Diagnostics Nichols Institute San Juan Capistrano and Sema4); PubMed 25060813 (cited by Quest Diagnostics Nichols Institute San Juan Capistrano); PubMed 24658001 (cited by Labcorp Genetics (formerly Invitae), Labcorp); PubMed 24658002 (cited by Labcorp Genetics (formerly Invitae), Labcorp).

NM_003072.5(SMARCA4):c.3229C>T (p.Arg1077Ter)

Gene: SMARCA4 (SWI/SNF related BAF chromatin remodeling complex subunit ATPase 4; plus strand). Cytogenetic location: 19p13.2.
Variant type: single nucleotide variant.
Coding change: c.3229C>T on transcript NM_003072.5 (MANE Select); coding-DNA position 3229, C replaced by T.
Protein change: p.Arg1077Ter; replaces arginine 1077 with a stop codon.
Molecular consequence: nonsense. On other transcripts: non-coding transcript variant (1).
Genome position (GRCh38, 1-based): chr19:11,027,797, C>T. VCF-style: chr19-11027797-C-T. GRCh37 (hg19) VCF-style: chr19-11138473-C-T.
Other names: c.3229C>T, p.Arg1077Ter (NM_001128844.3, NM_001128845.2, NM_001128846.2 and 5 more transcripts); short protein forms R1077*.
Identifiers: ClinVar variation 1692588 (VCV001692588.10), dbSNP rs2146541571, ClinGen allele CA404061237.